The following is an entry in ClinVar:

ClinVar aggregate classification (germline): Uncertain significance. Review status: criteria provided, multiple submitters, no conflicts (2 of 4 stars). 2 submissions from 2 submitters: Uncertain significance (2). Last evaluated 2025-06-23.

Conditions:
Tuberous sclerosis syndrome (TSC). Also called: Tuberous Sclerosis Complex; Tuberous sclerosis. Identifiers: Orphanet 805, MedGen C0041341, MONDO:0001734.
Tuberous sclerosis 1 (TSC1). Identifiers: Orphanet 805, MedGen C1854465, MONDO:0008612, OMIM 191100.

gnomAD v4.1: 1 of 1,614,226 alleles (0.000062%); highest among the groups gnomAD compares: Non-Finnish European, 0.000085%; no homozygotes.

Submissions (2):

Color Diagnostics, LLC DBA Color Health
Classification: Uncertain significance for Tuberous sclerosis syndrome. Last evaluated: 2025-06-23. Review status: criteria provided, single submitter. Criteria: ACMG Guidelines, 2015. Collection method: clinical testing. Allele origin: germline.
Comment: This missense variant replaces glutamic acid with glutamine at codon 961 of the TSC1 protein. Computational prediction suggests that this variant may not impact protein structure and function. To our knowledge, functional studies have not been reported for this variant. This variant has not been reported in individuals affected with TSC1-related disorders in the literature. This variant has not been identified in the general population by the Genome Aggregation Database (gnomAD). The available evidence is insufficient to determine the role of this variant in disease conclusively. Therefore, this variant is classified as a Variant of Uncertain Significance.

Labcorp Genetics (formerly Invitae), Labcorp
Classification: Uncertain significance for Tuberous sclerosis 1. Last evaluated: 2024-06-07. Review status: criteria provided, single submitter. Criteria: Invitae Variant Classification Sherloc (09022015). Collection method: clinical testing. Allele origin: germline.
Comment: This sequence change replaces glutamic acid, which is acidic and polar, with glutamine, which is neutral and polar, at codon 961 of the TSC1 protein (p.Glu961Gln). This variant is not present in population databases (gnomAD no frequency). This variant has not been reported in the literature in individuals affected with TSC1-related conditions. ClinVar contains an entry for this variant (Variation ID: 2081474). Advanced modeling of protein sequence and biophysical properties (such as structural, functional, and spatial information, amino acid conservation, physicochemical variation, residue mobility, and thermodynamic stability) performed at Invitae indicates that this missense variant is not expected to disrupt TSC1 protein function with a negative predictive value of 95%. Studies have shown that this missense change is associated with inconclusive levels of altered splicing (Invitae). In summary, the available evidence is currently insufficient to determine the role of this variant in disease. Therefore, it has been classified as a Variant of Uncertain Significance.

NM_000368.5(TSC1):c.2881G>C (p.Glu961Gln)

Gene: TSC1 (TSC complex subunit 1; minus strand). Cytogenetic location: 9q34.13.
Variant type: single nucleotide variant.
Coding change: c.2881G>C on transcript NM_000368.5 (MANE Select); coding-DNA position 2881, G replaced by C.
Protein change: p.Glu961Gln; replaces glutamic acid 961 with glutamine.
Molecular consequence: missense variant.
Genome position (GRCh38, 1-based): chr9:132,897,278, C>G on the plus strand (G>C on the coding strand, the complement: TSC1 is on the minus strand). VCF-style: chr9-132897278-C-G. GRCh37 (hg19) VCF-style: chr9-135772665-C-G.
Other names: c.2878G>C, p.Glu960Gln (NM_001162426.2, NM_001406597.1, NM_001406598.1 and 2 more transcripts); c.2728G>C, p.Glu910Gln (NM_001162427.2, NM_001406610.1); c.2518G>C, p.Glu840Gln (NM_001362177.2, NM_001406614.1, NM_001406615.1 and 4 more transcripts); c.2881G>C, p.Glu961Gln (NM_001406592.1, NM_001406593.1, NM_001406594.1 and 2 more transcripts); c.2866G>C, p.Glu956Gln (NM_001406601.1, NM_001406602.1); c.2683G>C, p.Glu895Gln (NM_001406613.1); c.2515G>C, p.Glu839Gln (NM_001406620.1, NM_001406621.1, NM_001406622.1 and 1 more transcripts); c.2476G>C, p.Glu826Gln (NM_001406624.1); and 8 more; short protein forms E610Q, E643Q, E826Q, E909Q, E910Q, E946Q, E644Q, E840Q.
Identifiers: ClinVar variation 2081474 (VCV002081474.5), dbSNP rs2538479565, ClinGen allele CA375368799.